The following is an entry in ClinVar:

ClinVar aggregate classification (germline): Conflicting classifications of pathogenicity. Review status: criteria provided, conflicting classifications (1 of 4 stars). 2 submissions from 2 submitters: Uncertain significance (1); Likely benign (1). Last evaluated 2023-10-13.

Allele frequency attached by ClinVar (database versions not stated): TOPMed 0.00001; gnomAD 0.00004; gnomAD exomes 0.00004; ExAC 0.00006.
gnomAD v4.1: 51 of 1,206,337 alleles (0.0042%); highest among the groups gnomAD compares: South Asian, 0.053%; no homozygotes.

Submissions (2):

Ambry Genetics
Classification: Uncertain significance. Last evaluated: 2023-10-13. Review status: criteria provided, single submitter. Criteria: Ambry Variant Classification Scheme 2023. Collection method: clinical testing. Allele origin: germline.

CeGaT Center for Human Genetics Tuebingen
Classification: Likely benign. Last evaluated: 2022-12-01. Review status: criteria provided, single submitter. Criteria: CeGaT Center For Human Genetics Tuebingen Variant Classification Criteria Version 2. Collection method: clinical testing. Allele origin: germline. Affected: yes. Observed: 1 variant allele.
Comment: COL4A6: BS2

NM_033641.4(COL4A6):c.3919G>C (p.Asp1307His)

Gene: COL4A6 (collagen type IV alpha 6 chain; minus strand). Cytogenetic location: Xq22.3.
Variant type: single nucleotide variant.
Coding change: c.3919G>C on transcript NM_033641.4 (MANE Select); coding-DNA position 3919, G replaced by C.
Protein change: p.Asp1307His; replaces aspartic acid 1307 with histidine.
Molecular consequence: missense variant.
Genome position (GRCh38, 1-based): chrX:108,164,928, C>G on the plus strand (G>C on the coding strand, the complement: COL4A6 is on the minus strand). VCF-style: chrX-108164928-C-G. GRCh37 (hg19) VCF-style: chrX-107408158-C-G.
Other names: c.3970G>C, p.Asp1324His (NM_001287758.2); c.3847G>C, p.Asp1283His (NM_001287759.2, NM_001287760.2); c.3922G>C, p.Asp1308His (NM_001847.4); c.3922G>C (NM_001847.2); short protein forms D1283H, D1307H, D1308H, D1324H.
Identifiers: ClinVar variation 2661162 (VCV002661162.25), dbSNP rs753586099, ClinGen allele CA10487297.